The following is an entry in ClinVar:

ClinVar aggregate classification (germline): Uncertain significance. Review status: criteria provided, multiple submitters, no conflicts (2 of 4 stars). 2 submissions from 2 submitters: Uncertain significance (2). Last evaluated 2024-10-03.

Conditions:
Inborn genetic diseases. Identifiers: MedGen C0950123, MeSH D030342.

Allele frequency attached by ClinVar (database versions not stated): gnomAD 0.00001 and 0.00003; TOPMed 0.00004; gnomAD exomes 0.00009; ExAC 0.00010; 1000 Genomes Project 30x 0.00031; 1000 Genomes Project 0.00040.
gnomAD v4.1: 67 of 1,608,286 alleles (0.0042%); highest among the groups gnomAD compares: South Asian, 0.041%; 1 homozygote.

Submissions (2):

Ambry Genetics
Classification: Uncertain significance for Inborn genetic diseases. Last evaluated: 2024-10-03. Review status: criteria provided, single submitter. Criteria: Ambry Variant Classification Scheme 2023. Collection method: clinical testing. Allele origin: germline.
Comment: Unlikely to be causative of ITPR1-related congenital non-progressive spinocerebellar ataxia (AD), ITPR1-related spinocerebellar ataxia (AD), and Gillespie syndrome (AD) Based on insufficient or conflicting evidence, the clinical significance of this alteration remains unclear.

Labcorp Genetics (formerly Invitae), Labcorp
Classification: Uncertain significance. Last evaluated: 2023-08-10. Review status: criteria provided, single submitter. Criteria: Invitae Variant Classification Sherloc (09022015). Collection method: clinical testing. Allele origin: germline.
Comment: This sequence change falls in intron 15 of the ITPR1 gene. It does not directly change the encoded amino acid sequence of the ITPR1 protein. It affects a nucleotide within the consensus splice site. This variant is present in population databases (rs117503975, gnomAD 0.06%). This variant has not been reported in the literature in individuals affected with ITPR1-related conditions. ClinVar contains an entry for this variant (Variation ID: 1492300). Variants that disrupt the consensus splice site are a relatively common cause of aberrant splicing (PMID: 17576681, 9536098). Algorithms developed to predict the effect of sequence changes on RNA splicing suggest that this variant is not likely to affect RNA splicing. In summary, the available evidence is currently insufficient to determine the role of this variant in disease. Therefore, it has been classified as a Variant of Uncertain Significance.

Literature cited by the submitters: PubMed 17576681 (cited by Labcorp Genetics (formerly Invitae), Labcorp); PubMed 9536098 (cited by Labcorp Genetics (formerly Invitae), Labcorp).

NM_001378452.1(ITPR1):c.1554+4G>A

Gene: ITPR1 (inositol 1,4,5-trisphosphate receptor type 1; plus strand). Cytogenetic location: 3p26.1.
Variant type: single nucleotide variant.
Coding change: c.1554+4G>A on transcript NM_001378452.1 (MANE Select); 4 bases into the intron after coding-DNA position 1554, G replaced by A.
Molecular consequence: intron variant.
Genome position (GRCh38, 1-based): chr3:4,663,210, G>A. VCF-style: chr3-4663210-G-A. GRCh37 (hg19) VCF-style: chr3-4704894-G-A.
Other names: c.1554+4G>A (NM_001099952.4); c.1509+4G>A (NM_001168272.2, NM_002222.7, NM_002222.5).
Identifiers: ClinVar variation 1492300 (VCV001492300.7), dbSNP rs117503975, ClinGen allele CA2231205.